The following is an entry in ClinVar:

ClinVar aggregate classification (germline): Conflicting classifications of pathogenicity. Review status: criteria provided, conflicting classifications (1 of 4 stars). 7 submissions from 6 submitters: Uncertain significance (2); Benign (1); Likely benign (4). Last evaluated 2026-01-19.

Conditions:
Cardiovascular phenotype. Identifiers: MedGen CN230736.
Catecholaminergic polymorphic ventricular tachycardia (CVPT). Also called: Catecholamine-induced polymorphic ventricular tachycardia. Identifiers: Orphanet 3286, MedGen C5574922, MONDO:0017990.
Cardiomyopathy (CMYO). Also called: Cardiomyopathies. Identifiers: Orphanet 167848, MedGen C0878544, MONDO:0004994, HP:0001638. Inheritance: Various modes of inheritance.
Catecholaminergic polymorphic ventricular tachycardia 1. Also called: RYR2-Related Catecholaminergic Polymorphic Ventricular Tachycardia; VENTRICULAR TACHYCARDIA, CATECHOLAMINERGIC POLYMORPHIC, 1, WITH OR WITHOUT ATRIAL DYSFUNCTION AND/OR DILATED CARDIOMYOPATHY; VENTRICULAR TACHYCARDIA, STRESS-INDUCED POLYMORPHIC 1. Identifiers: Orphanet 3286, MedGen C1631597, MONDO:0011484, OMIM 604772.
Arrhythmogenic right ventricular dysplasia 2. Identifiers: MedGen C1832931.

Allele frequency attached by ClinVar (database versions not stated): gnomAD 0.00011 and 0.00013; TOPMed 0.00011.
gnomAD v4.1: 196 of 1,613,900 alleles (0.012%); highest among the groups gnomAD compares: Non-Finnish European, 0.015%; no homozygotes.

Submissions (7):

Labcorp Genetics (formerly Invitae), Labcorp
Classification: Likely benign for Catecholaminergic polymorphic ventricular tachycardia 1. Last evaluated: 2026-01-19. Review status: criteria provided, single submitter. Criteria: Invitae Variant Classification Sherloc (09022015). Collection method: clinical testing. Allele origin: germline.

All of Us Research Program, National Institutes of Health
Classification: Likely benign for Catecholaminergic polymorphic ventricular tachycardia. Last evaluated: 2023-12-01. Review status: criteria provided, single submitter. Criteria: ACMG Guidelines, 2015. Collection method: clinical testing. Allele origin: germline. Inheritance: Autosomal dominant inheritance. Observed: 21 variant alleles, 21 heterozygotes.
Comment: This study involves interpretation of variants in research participants for the purpose of population health screening. Participant phenotype was not available at the time of variant classification. Additional details can be found in publication PMID: 35346344, PMCID: PMC8962531

Ambry Genetics
Classification: Likely benign for Cardiovascular phenotype. Last evaluated: 2020-07-16. Review status: criteria provided, single submitter. Criteria: Ambry Variant Classification Scheme 2023. Collection method: clinical testing. Allele origin: germline.

Color Diagnostics, LLC DBA Color Health
Classification: Likely benign for Cardiomyopathy. Last evaluated: 2018-10-08. Review status: criteria provided, single submitter. Criteria: ACMG Guidelines, 2015. Collection method: clinical testing. Allele origin: germline.

Illumina Laboratory Services, Illumina
Classification: Uncertain significance for Catecholaminergic polymorphic ventricular tachycardia 1. Last evaluated: 2018-01-12. Review status: criteria provided, single submitter. Criteria: ICSL Variant Classification Criteria 13 December 2019. Collection method: clinical testing. Allele origin: germline.

Illumina Laboratory Services, Illumina
Classification: Uncertain significance for Catecholaminergic polymorphic ventricular tachycardia 1. Last evaluated: 2018-01-12. Review status: criteria provided, single submitter. Criteria: ICSL Variant Classification Criteria 13 December 2019. Collection method: clinical testing. Allele origin: germline.

GeneDx
Classification: Benign. Last evaluated: 2014-09-05. Review status: criteria provided, single submitter. Criteria: GeneDx Variant Classification (06012015). Collection method: clinical testing. Allele origin: germline. Affected: yes.
Comment: This variant is considered likely benign or benign based on one or more of the following criteria: it is a conservative change, it occurs at a poorly conserved position in the protein, it is predicted to be benign by multiple in silico algorithms, and/or has population frequency not consistent with disease.

NM_001035.3(RYR2):c.5373C>A (p.Thr1791=)

Gene: RYR2 (ryanodine receptor 2; plus strand). Cytogenetic location: 1q43.
Variant type: single nucleotide variant.
Coding change: c.5373C>A on transcript NM_001035.3 (MANE Select); coding-DNA position 5373, C replaced by A.
Protein change: p.Thr1791=; no amino-acid change (threonine 1791 retained).
Molecular consequence: synonymous variant.
Genome position (GRCh38, 1-based): chr1:237,614,501, C>A. VCF-style: chr1-237614501-C-A. GRCh37 (hg19) VCF-style: chr1-237777801-C-A.
Other names: p.T1791T:ACC>ACA; c.5373C>A, p.Thr1791= (LRG_402t1).
Identifiers: ClinVar variation 201173 (VCV000201173.22), dbSNP rs765283048, ClinGen allele CA009837.